The following is an entry in ClinVar:

NM_024675.4(PALB2):c.394G>T (p.Val132Phe)

Gene: PALB2 (partner and localizer of BRCA2; minus strand). Cytogenetic location: 16p12.2.
Variant type: single nucleotide variant.
Coding change: c.394G>T on transcript NM_024675.4 (MANE Select); coding-DNA position 394, G replaced by T.
Protein change: p.Val132Phe; replaces valine 132 with phenylalanine.
Molecular consequence: missense variant.
Genome position (GRCh38, 1-based): chr16:23,636,152, C>A on the plus strand (G>T on the coding strand, the complement: PALB2 is on the minus strand). VCF-style: chr16-23636152-C-A. GRCh37 (hg19) VCF-style: chr16-23647473-C-A.
Other names: c.334G>T, p.Val112Phe (NM_001407296.1); c.394G>T, p.Val132Phe (NM_001407297.1, NM_001407298.1, NM_001407299.1 and 3 more transcripts); c.-492G>T (NM_001407304.1, NM_001407305.1, NM_001407306.1 and 5 more transcripts); short protein forms V112F, V132F.
Identifiers: ClinVar variation 1736429 (VCV001736429.3), dbSNP rs1555461807, ClinGen allele CA395137426.

ClinVar aggregate classification (germline): Uncertain significance. Review status: criteria provided, multiple submitters, no conflicts (2 of 4 stars). 2 submissions from 2 submitters: Uncertain significance (2). Last evaluated 2023-12-10.

Conditions:
Hereditary cancer-predisposing syndrome. Also called: Neoplastic Syndromes, Hereditary; Tumor predisposition; Hereditary Cancer Syndrome; Hereditary neoplastic syndrome. Identifiers: Orphanet 140162, MedGen C0027672, MeSH D009386, MONDO:0015356.
Familial cancer of breast. Also called: BREAST CANCER, FAMILIAL; Hereditary breast cancer; hereditary breast carcinoma. Identifiers: Orphanet 227535, MedGen C0346153, MONDO:0016419, OMIM 114480. Disease mechanism: loss of function.

gnomAD v4.1: 2 of 1,612,538 alleles (0.00012%); highest among the groups gnomAD compares: Non-Finnish European, 0.00017%; no homozygotes.

Submissions (2):

Ambry Genetics
Classification: Uncertain significance for Hereditary cancer-predisposing syndrome. Last evaluated: 2023-12-10. Review status: criteria provided, single submitter. Criteria: Ambry Variant Classification Scheme 2023. Collection method: clinical testing. Allele origin: germline.
Comment: The p.V132F variant (also known as c.394G>T), located in coding exon 4 of the PALB2 gene, results from a G to T substitution at nucleotide position 394. The valine at codon 132 is replaced by phenylalanine, an amino acid with highly similar properties. This amino acid position is conserved. In addition, this alteration is predicted to be tolerated by in silico analysis. Since supporting evidence is limited at this time, the clinical significance of this alteration remains unclear.

Labcorp Genetics (formerly Invitae), Labcorp
Classification: Uncertain significance for Familial cancer of breast. Last evaluated: 2023-05-24. Review status: criteria provided, single submitter. Criteria: Invitae Variant Classification Sherloc (09022015). Collection method: clinical testing. Allele origin: germline.
Comment: This sequence change replaces valine, which is neutral and non-polar, with phenylalanine, which is neutral and non-polar, at codon 132 of the PALB2 protein (p.Val132Phe). This variant is not present in population databases (gnomAD no frequency). This variant has not been reported in the literature in individuals affected with PALB2-related conditions. ClinVar contains an entry for this variant (Variation ID: 1736429). An algorithm developed to predict the effect of missense changes on protein structure and function (PolyPhen-2) suggests that this variant is likely to be disruptive. In summary, the available evidence is currently insufficient to determine the role of this variant in disease. Therefore, it has been classified as a Variant of Uncertain Significance.